The following is an entry in ClinVar:

NM_020822.3(KCNT1):c.3128C>T (p.Thr1043Ile)

Gene: KCNT1 (potassium sodium-activated channel subfamily T member 1; plus strand). Cytogenetic location: 9q34.3.
Variant type: single nucleotide variant.
Coding change: c.3128C>T on transcript NM_020822.3 (MANE Select); coding-DNA position 3128, C replaced by T.
Protein change: p.Thr1043Ile; replaces threonine 1043 with isoleucine.
Molecular consequence: missense variant.
Genome position (GRCh38, 1-based): chr9:135,784,861, C>T. VCF-style: chr9-135784861-C-T. GRCh37 (hg19) VCF-style: chr9-138676707-C-T.
Other names: c.2993C>T, p.Thr998Ile (NM_001272003.2); short protein forms T1043I, T998I.
Identifiers: ClinVar variation 2149135 (VCV002149135.4), dbSNP rs1361200980, ClinGen allele CA375518243.
Genomic context (GRCh38, chr9:135,784,861, plus strand): 5'-GCCGCCTCTTCCAGAAGCTCTGCTCCTCCAGCGCCGAGATCCCCATTGGCATCTACCGGA[C>T]AGAGAGCCACGTCTTCTCCACCTCGGAGGTTCTGGGGCAGCCTGGGGGCTGGGACTGTGG-3'
Protein context (NP_065873.2, residues 1033-1053): SAEIPIGIYR[Thr1043Ile]ESHVFSTSEP

ClinVar aggregate classification (germline): Uncertain significance (1 of 4 stars; one submission).

Conditions:
Autosomal dominant nocturnal frontal lobe epilepsy 5. Also called: Epilepsy, nocturnal frontal lobe, 5; KCNT1-Related Epilepsy; CILIARY DYSKINESIA, PRIMARY, 28, WITHOUT SITUS INVERSUS; CILIARY DYSKINESIA, PRIMARY, 28, WITH SITUS INVERSUS. Identifiers: Orphanet 98784, MedGen C3554306, MONDO:0014002, OMIM 615005.
Developmental and epileptic encephalopathy, 14 (DEE14). Also called: Early infantile epileptic encephalopathy 14. Identifiers: Orphanet 293181, MedGen C3554195, MONDO:0013989, OMIM 614959.

Allele frequency attached by ClinVar (database versions not stated): gnomAD exomes 0.00001.
gnomAD v4.1: 12 of 1,612,754 alleles (0.00074%); highest among the groups gnomAD compares: Admixed American, 0.0017%; no homozygotes.

Submission:

Labcorp Genetics (formerly Invitae), Labcorp
Classification: Uncertain significance for Autosomal dominant nocturnal frontal lobe epilepsy 5; Developmental and epileptic encephalopathy, 14. Last evaluated: 2022-11-23. Review status: criteria provided, single submitter. Criteria: Invitae Variant Classification Sherloc (09022015). Collection method: clinical testing. Allele origin: germline.
Comment: This sequence change replaces threonine, which is neutral and polar, with isoleucine, which is neutral and non-polar, at codon 1043 of the KCNT1 protein (p.Thr1043Ile). In summary, the available evidence is currently insufficient to determine the role of this variant in disease. Therefore, it has been classified as a Variant of Uncertain Significance. Algorithms developed to predict the effect of missense changes on protein structure and function (SIFT, PolyPhen-2, Align-GVGD) all suggest that this variant is likely to be disruptive. This variant has not been reported in the literature in individuals affected with KCNT1-related conditions. This variant is present in population databases (no rsID available, gnomAD 0.003%).